The following is an entry in ClinVar:

ClinVar aggregate classification (germline): Uncertain significance (1 of 4 stars; one submission).

Conditions:
Glycogen storage disease type III (GSD3). Also called: FORBES DISEASE; Cori disease. Identifiers: Orphanet 366, MedGen C0017922, MONDO:0009291, OMIM 232400.

Allele frequency attached by ClinVar (database versions not stated): TOPMed below 0.00001; gnomAD 0.00001; ExAC 0.00002.
gnomAD v4.1: 11 of 1,614,050 alleles (0.00068%); highest among the groups gnomAD compares: East Asian, 0.0022%; no homozygotes.

Submission:

Labcorp Genetics (formerly Invitae), Labcorp
Classification: Uncertain significance for Glycogen storage disease type III. Last evaluated: 2022-07-06. Review status: criteria provided, single submitter. Criteria: Invitae Variant Classification Sherloc (09022015). Collection method: clinical testing. Allele origin: germline.
Comment: This sequence change replaces aspartic acid, which is acidic and polar, with glutamic acid, which is acidic and polar, at codon 465 of the AGL protein (p.Asp465Glu). This variant is present in population databases (rs768623422, gnomAD 0.003%). This variant has not been reported in the literature in individuals affected with AGL-related conditions. Algorithms developed to predict the effect of missense changes on protein structure and function are either unavailable or do not agree on the potential impact of this missense change (SIFT: "Tolerated"; PolyPhen-2: "Possibly Damaging"; Align-GVGD: "Class C0"). In summary, the available evidence is currently insufficient to determine the role of this variant in disease. Therefore, it has been classified as a Variant of Uncertain Significance.

NM_000642.3(AGL):c.1395T>G (p.Asp465Glu)

Gene: AGL (amylo-alpha-1,6-glucosidase and 4-alpha-glucanotransferase; plus strand). Cytogenetic location: 1p21.2.
Variant type: single nucleotide variant.
Coding change: c.1395T>G on transcript NM_000642.3 (MANE Select); coding-DNA position 1395, T replaced by G.
Protein change: p.Asp465Glu; replaces aspartic acid 465 with glutamic acid.
Molecular consequence: missense variant.
Genome position (GRCh38, 1-based): chr1:99,876,569, T>G. VCF-style: chr1-99876569-T-G. GRCh37 (hg19) VCF-style: chr1-100342125-T-G.
Other names: c.1395T>G, p.Asp465Glu (NM_000028.3, NM_000643.3, NM_000644.3 and 2 more transcripts); c.1347T>G, p.Asp449Glu (NM_000646.3); c.1194T>G, p.Asp398Glu (NM_001425327.1); c.1191T>G, p.Asp397Glu (NM_001425328.1, NM_001425329.1); c.1017T>G, p.Asp339Glu (NM_001425332.1); short protein forms D449E, D465E, D339E, D397E, D398E.
Identifiers: ClinVar variation 2183189 (VCV002183189.1), dbSNP rs768623422, ClinGen allele CA966473.
Genomic context (GRCh38, chr1:99,876,569, plus strand): 5'-GATTCATCTGCCAAATAAAGCTTGTTTTCTGATGGCACACAATGGATGGGTAATGGGAGA[T>G]GATCCTCTTCGAAACTTTGCTGAACCGGGTATGTAATTTTTAACTTCTCTGTGGATGGGG-3'
Protein context (NP_000633.2, residues 455-475): LMAHNGWVMG[Asp465Glu]DPLRNFAEPG